The following is an entry in ClinVar:

ClinVar aggregate classification (germline): Uncertain significance (1 of 4 stars; one submission).

gnomAD v4.1: 59 of 1,586,090 alleles (0.0037%); highest among the groups gnomAD compares: East Asian, 0.025%; 1 homozygote.

Submission:

Ambry Genetics
Classification: Uncertain significance. Last evaluated: 2024-11-23. Review status: criteria provided, single submitter. Criteria: Ambry Variant Classification Scheme 2023. Collection method: clinical testing. Allele origin: germline.
Comment: The p.R1594C variant (also known as c.4780C>T), located in coding exon 19 of the WNK2 gene, results from a C to T substitution at nucleotide position 4780. The arginine at codon 1594 is replaced by cysteine, an amino acid with highly dissimilar properties. This amino acid position is conserved. In addition, this alteration is predicted to be tolerated by in silico analysis. Based on the available evidence, the clinical significance of this variant remains unclear.

NM_006648.4(WNK2):c.4780C>T (p.Arg1594Cys)

Gene: WNK2 (WNK lysine deficient protein kinase 2; plus strand). Cytogenetic location: 9q22.31.
Variant type: single nucleotide variant.
Coding change: c.4780C>T on transcript NM_006648.4 (MANE Select); coding-DNA position 4780, C replaced by T.
Protein change: p.Arg1594Cys; replaces arginine 1594 with cysteine.
Molecular consequence: missense variant.
Genome position (GRCh38, 1-based): chr9:93,289,534, C>T. VCF-style: chr9-93289534-C-T. GRCh37 (hg19) VCF-style: chr9-96051816-C-T.
Other names: c.4891C>T, p.Arg1631Cys (NM_001282394.3); short protein forms R1631C, R1594C.
Identifiers: ClinVar variation 3190641 (VCV003190641.2), dbSNP rs376965605, ClinGen allele CA5130390.